The following is an entry in ClinVar:

NM_000368.5(TSC1):c.2300A>C (p.Gln767Pro)

Gene: TSC1 (TSC complex subunit 1; minus strand). Cytogenetic location: 9q34.13.
Variant type: single nucleotide variant.
Coding change: c.2300A>C on transcript NM_000368.5 (MANE Select); coding-DNA position 2300, A replaced by C.
Protein change: p.Gln767Pro; replaces glutamine 767 with proline.
Molecular consequence: missense variant.
Genome position (GRCh38, 1-based): chr9:132,902,696, T>G on the plus strand (A>C on the coding strand, the complement: TSC1 is on the minus strand). VCF-style: chr9-132902696-T-G. GRCh37 (hg19) VCF-style: chr9-135778083-T-G.
Other names: c.2297A>C, p.Gln766Pro (NM_001162426.2); c.2147A>C, p.Gln716Pro (NM_001162427.2); c.1937A>C, p.Gln646Pro (NM_001362177.2); short protein forms Q646P, Q716P, Q766P, Q767P.
Identifiers: ClinVar variation 856374 (VCV000856374.8), dbSNP rs1845449144, ClinGen allele CA375359658.

ClinVar aggregate classification (germline): Uncertain significance. Review status: criteria provided, multiple submitters, no conflicts (2 of 4 stars). 2 submissions from 2 submitters: Uncertain significance (2). Last evaluated 2026-08-02.

Conditions:
Hereditary cancer-predisposing syndrome. Also called: Tumor predisposition; Hereditary neoplastic syndrome; Neoplastic Syndromes, Hereditary; Hereditary Cancer Syndrome. Identifiers: Orphanet 140162, MedGen C0027672, MeSH D009386, MONDO:0015356.
Tuberous sclerosis 1 (TSC1). Identifiers: Orphanet 805, MedGen C1854465, MONDO:0008612, OMIM 191100.

Submissions (2):

Ambry Genetics
Classification: Uncertain significance for Hereditary cancer-predisposing syndrome. Last evaluated: 2026-08-02. Review status: criteria provided, single submitter. Criteria: Ambry Variant Classification Scheme 2023. Collection method: clinical testing. Allele origin: germline.
Comment: The p.Q767P variant (also known as c.2300A>C), located in coding exon 16 of the TSC1 gene, results from an A to C substitution at nucleotide position 2300. The glutamine at codon 767 is replaced by proline, an amino acid with similar properties. This amino acid position is conserved. In addition, the in silico prediction for this alteration is inconclusive. Based on the available evidence, the clinical significance of this variant remains unclear.

Labcorp Genetics (formerly Invitae), Labcorp
Classification: Uncertain significance for Tuberous sclerosis 1. Last evaluated: 2022-04-23. Review status: criteria provided, single submitter. Criteria: Invitae Variant Classification Sherloc (09022015). Collection method: clinical testing. Allele origin: germline.
Comment: This sequence change replaces glutamine, which is neutral and polar, with proline, which is neutral and non-polar, at codon 767 of the TSC1 protein (p.Gln767Pro). This variant is not present in population databases (gnomAD no frequency). This variant has not been reported in the literature in individuals affected with TSC1-related conditions. ClinVar contains an entry for this variant (Variation ID: 856374). Algorithms developed to predict the effect of missense changes on protein structure and function (SIFT, PolyPhen-2, Align-GVGD) all suggest that this variant is likely to be tolerated. In summary, the available evidence is currently insufficient to determine the role of this variant in disease. Therefore, it has been classified as a Variant of Uncertain Significance.